The following is an entry in ClinVar:

ClinVar aggregate classification (germline): Uncertain significance (1 of 4 stars; one submission).

Conditions:
Chédiak-Higashi syndrome (CHS). Also called: Chediak-Higashi Syndrome. Identifiers: Orphanet 167, MedGen C0007965, MONDO:0008963, OMIM 214500.

Allele frequency attached by ClinVar (database versions not stated): gnomAD 0.00001; gnomAD exomes 0.00001; TOPMed 0.00001.
gnomAD v4.1: 10 of 1,613,822 alleles (0.00062%); highest among the groups gnomAD compares: African/African-American, 0.0013%; no homozygotes.

Submission:

Labcorp Genetics (formerly Invitae), Labcorp
Classification: Uncertain significance for Chédiak-Higashi syndrome. Last evaluated: 2021-09-26. Review status: criteria provided, single submitter. Criteria: Invitae Variant Classification Sherloc (09022015). Collection method: clinical testing. Allele origin: germline.
Comment: In summary, the available evidence is currently insufficient to determine the role of this variant in disease. Therefore, it has been classified as a Variant of Uncertain Significance. Algorithms developed to predict the effect of missense changes on protein structure and function (SIFT, PolyPhen-2, Align-GVGD) all suggest that this variant is likely to be tolerated. This variant has not been reported in the literature in individuals affected with LYST-related conditions. This variant is not present in population databases (ExAC no frequency). This sequence change replaces histidine with arginine at codon 2293 of the LYST protein (p.His2293Arg). The histidine residue is weakly conserved and there is a small physicochemical difference between histidine and arginine.

NM_000081.4(LYST):c.6878A>G (p.His2293Arg)

Gene: LYST (lysosomal trafficking regulator; minus strand). Cytogenetic location: 1q42.3.
Variant type: single nucleotide variant.
Coding change: c.6878A>G on transcript NM_000081.4 (MANE Select); coding-DNA position 6878, A replaced by G.
Protein change: p.His2293Arg; replaces histidine 2293 with arginine.
Molecular consequence: missense variant.
Genome position (GRCh38, 1-based): chr1:235,758,975, T>C on the plus strand (A>G on the coding strand, the complement: LYST is on the minus strand). VCF-style: chr1-235758975-T-C. GRCh37 (hg19) VCF-style: chr1-235922275-T-C.
Other names: c.6878A>G, p.His2293Arg (NM_001301365.1); short protein forms H2293R.
Identifiers: ClinVar variation 1440307 (VCV001440307.3), dbSNP rs1481968469, ClinGen allele CA344938783.
Genomic context (GRCh38, chr1:235,758,975, plus strand): 5'-AGTCTTTAAAGAATAGTAAAATAAAGGTGGGAGGAGTGTACAAAAACACATAAGTACCTG[T>C]GAGCACTTGCAGTTCGGTTGTAATTTGGCTCATAACCAAGAGAATAGGCAAAGTTTTCCC-3'
Protein context (NP_000072.2, residues 2283-2303): EPNYNRTASA[His2293Arg]SVTEDCLVPI